The following is an entry in ClinVar:

NM_000051.4(ATM):c.2654T>C (p.Leu885Ser)

Gene: ATM (ATM serine/threonine kinase; plus strand). Cytogenetic location: 11q22.3.
Variant type: single nucleotide variant.
Coding change: c.2654T>C on transcript NM_000051.4 (MANE Select); coding-DNA position 2654, T replaced by C.
Protein change: p.Leu885Ser; replaces leucine 885 with serine.
Molecular consequence: missense variant.
Genome position (GRCh38, 1-based): chr11:108,268,425, T>C. VCF-style: chr11-108268425-T-C. GRCh37 (hg19) VCF-style: chr11-108139152-T-C.
Other names: c.2654T>C, p.Leu885Ser (NM_001351834.2); short protein forms L885S.
Identifiers: ClinVar variation 821632 (VCV000821632.8), dbSNP rs1555083096, ClinGen allele CA382545036.

ClinVar aggregate classification (germline): Uncertain significance. Review status: criteria provided, multiple submitters, no conflicts (2 of 4 stars). 2 submissions from 2 submitters: Uncertain significance (2). Last evaluated 2025-04-30.

Conditions:
Hereditary cancer-predisposing syndrome. Also called: Hereditary Cancer Syndrome; Neoplastic Syndromes, Hereditary; Hereditary neoplastic syndrome; Tumor predisposition. Identifiers: Orphanet 140162, MedGen C0027672, MeSH D009386, MONDO:0015356.
Ataxia-telangiectasia syndrome (AT). Also called: Cerebello-oculocutaneous telangiectasia; Immunodeficiency with ataxia telangiectasia; Ataxia-telangiectasia, complementation group E; Ataxia-telangiectasia, complementation group D; AT, COMPLEMENTATION GROUP C; ATAXIA-TELANGIECTASIA, COMPLEMENTATION GROUP A. Identifiers: Orphanet 100, MedGen C0004135, MONDO:0008840, OMIM 208900.

Submissions (2):

Labcorp Genetics (formerly Invitae), Labcorp
Classification: Uncertain significance for Ataxia-telangiectasia syndrome. Last evaluated: 2025-04-30. Review status: criteria provided, single submitter. Criteria: Invitae Variant Classification Sherloc (09022015). Collection method: clinical testing. Allele origin: germline.
Comment: This sequence change replaces leucine, which is neutral and non-polar, with serine, which is neutral and polar, at codon 885 of the ATM protein (p.Leu885Ser). This variant is not present in population databases (gnomAD no frequency). This variant has not been reported in the literature in individuals affected with ATM-related conditions. ClinVar contains an entry for this variant (Variation ID: 821632). Invitae Evidence Modeling of protein sequence and biophysical properties (such as structural, functional, and spatial information, amino acid conservation, physicochemical variation, residue mobility, and thermodynamic stability) has been performed for this missense variant. However, the output from this modeling did not meet the statistical confidence thresholds required to predict the impact of this variant on ATM protein function. In summary, the available evidence is currently insufficient to determine the role of this variant in disease. Therefore, it has been classified as a Variant of Uncertain Significance.

Ambry Genetics
Classification: Uncertain significance for Hereditary cancer-predisposing syndrome. Last evaluated: 2023-04-19. Review status: criteria provided, single submitter. Criteria: Ambry Variant Classification Scheme 2023. Collection method: clinical testing. Allele origin: germline.
Comment: The p.L885S variant (also known as c.2654T>C), located in coding exon 17 of the ATM gene, results from a T to C substitution at nucleotide position 2654. The leucine at codon 885 is replaced by serine, an amino acid with dissimilar properties. This amino acid position is highly conserved in available vertebrate species. In addition, this alteration is predicted to be deleterious by in silico analysis. Since supporting evidence is limited at this time, the clinical significance of this alteration remains unclear.